The following is an entry in ClinVar:

ClinVar aggregate classification (germline): Pathogenic (1 of 4 stars; one submission).

Conditions:
Tuberous sclerosis 2 (TSC2). Identifiers: Orphanet 805, MedGen C1860707, MONDO:0013199, OMIM 613254.

Submission:

Labcorp Genetics (formerly Invitae), Labcorp
Classification: Pathogenic for Tuberous sclerosis 2. Last evaluated: 2025-12-27. Review status: criteria provided, single submitter. Criteria: Invitae Variant Classification Sherloc (09022015). Collection method: clinical testing. Allele origin: germline.
Comment: This sequence change replaces arginine, which is basic and polar, with serine, which is neutral and polar, at codon 1570 of the TSC2 protein (p.Arg1570Ser). This variant is not present in population databases (gnomAD no frequency). This missense change has been observed in individual(s) with tuberous sclerosis complex (internal data). In at least one individual the variant was observed to be de novo. ClinVar contains an entry for this variant (Variation ID: 2109270). Invitae Evidence Modeling of protein sequence and biophysical properties (such as structural, functional, and spatial information, amino acid conservation, physicochemical variation, residue mobility, and thermodynamic stability) indicates that this missense variant is not expected to disrupt TSC2 protein function with a negative predictive value of 95%. This variant disrupts the p.Arg1570 amino acid residue in TSC2. Other variant(s) that disrupt this residue have been determined to be pathogenic (PMID: 32211034). This suggests that this residue is clinically significant, and that variants that disrupt this residue are likely to be disease-causing. For these reasons, this variant has been classified as Pathogenic.

Literature cited by the submitters: PubMed 32211034.

NM_000548.5(TSC2):c.4710G>C (p.Arg1570Ser)

Gene: TSC2 (TSC complex subunit 2; plus strand). Cytogenetic location: 16p13.3.
Variant type: single nucleotide variant.
Coding change: c.4710G>C on transcript NM_000548.5 (MANE Select); coding-DNA position 4710, G replaced by C.
Protein change: p.Arg1570Ser; replaces arginine 1570 with serine.
Molecular consequence: missense variant.
Genome position (GRCh38, 1-based): chr16:2,086,240, G>C. VCF-style: chr16-2086240-G-C. GRCh37 (hg19) VCF-style: chr16-2136241-G-C.
Other names: c.4041G>C, p.Arg1347Ser (NM_001406683.1, NM_001406682.1); c.4038G>C, p.Arg1346Ser (NM_001406684.1); c.3912G>C, p.Arg1304Ser (NM_001406685.1, NM_001406686.1); c.3909G>C, p.Arg1303Ser (NM_001406687.1, NM_001406688.1); c.3297G>C, p.Arg1099Ser (NM_001406689.1); c.3237G>C, p.Arg1079Ser (NM_001406690.1); c.3234G>C, p.Arg1078Ser (NM_001406691.1); c.3168G>C, p.Arg1056Ser (NM_001406692.1, NM_001406693.1, NM_001406694.1); and 26 more; short protein forms R1056S, R1078S, R1079S, R1099S, R1350S, R1370S, R1466S, R1467S.
Identifiers: ClinVar variation 2109270 (VCV002109270.4), dbSNP rs1389060581, ClinGen allele CA394307370.
Genomic context (GRCh38, chr16:2,086,240, plus strand): 5'-CCTCTCCCCACAGAGCAACAGCGAGCTCGCCATCCTGTCCAATGAGCATGGCTCCTACAG[G>C]TACACGGAGTTCCTGACGGGCCTGGGCCGGCTCATCGAGCTGAAGGACTGCCAGCCGGAC-3'
Protein context (NP_000539.2, residues 1560-1580): AILSNEHGSY[Arg1570Ser]YTEFLTGLGR